The following is an entry in ClinVar:

NM_001146.5(ANGPT1):c.928C>G (p.Pro310Ala)

Gene: ANGPT1 (angiopoietin 1; minus strand). Cytogenetic location: 8q23.1.
Variant type: single nucleotide variant.
Coding change: c.928C>G on transcript NM_001146.5 (MANE Select); coding-DNA position 928, C replaced by G.
Protein change: p.Pro310Ala; replaces proline 310 with alanine.
Molecular consequence: missense variant.
Genome position (GRCh38, 1-based): chr8:107,303,248, G>C on the plus strand (C>G on the coding strand, the complement: ANGPT1 is on the minus strand). VCF-style: chr8-107303248-G-C. GRCh37 (hg19) VCF-style: chr8-108315476-G-C.
Other names: c.925C>G, p.Pro309Ala (NM_001199859.3); c.328C>G, p.Pro110Ala (NM_001314051.2); short protein forms P309A, P110A, P310A.
Identifiers: ClinVar variation 2819134 (VCV002819134.3), dbSNP rs1343604931, ClinGen allele CA372033215.

ClinVar aggregate classification (germline): Uncertain significance (1 of 4 stars; one submission).

Submission:

Labcorp Genetics (formerly Invitae), Labcorp
Classification: Uncertain significance. Last evaluated: 2022-12-07. Review status: criteria provided, single submitter. Criteria: Invitae Variant Classification Sherloc (09022015). Collection method: clinical testing. Allele origin: germline.
Comment: This variant has not been reported in the literature in individuals affected with ANGPT1-related conditions. Algorithms developed to predict the effect of missense changes on protein structure and function (SIFT, PolyPhen-2, Align-GVGD) all suggest that this variant is likely to be tolerated. In summary, the available evidence is currently insufficient to determine the role of this variant in disease. Therefore, it has been classified as a Variant of Uncertain Significance. This variant is not present in population databases (gnomAD no frequency). This sequence change replaces proline, which is neutral and non-polar, with alanine, which is neutral and non-polar, at codon 310 of the ANGPT1 protein (p.Pro310Ala).